The following is an entry in ClinVar:

ClinVar aggregate classification (germline): Conflicting classifications of pathogenicity. Review status: criteria provided, conflicting classifications (1 of 4 stars). 5 submissions from 5 submitters: Uncertain significance (1); Likely benign (3). 1 of the submissions does not count toward it. Last evaluated 2026-01-21.

Conditions:
PRKDC-related disorder. Also called: PRKDC-related condition.
Severe combined immunodeficiency due to DNA-PKcs deficiency. Also called: IMMUNODEFICIENCY 26 WITH NEUROLOGIC ABNORMALITIES; Immunodeficiency 26 with or without neurologic abnormalities. Identifiers: Orphanet 317425, MedGen C4014833, MONDO:0014423, OMIM 615966.

Allele frequency attached by ClinVar (database versions not stated): ExAC 0.00085; 1000 Genomes Project 0.00140; 1000 Genomes Project 30x 0.00172; ESP Exome Variant Server 0.00200; gnomAD 0.00220 and 0.00239; TOPMed 0.00257.
gnomAD v4.1: 507 of 1,349,220 alleles (0.038%); highest among the groups gnomAD compares: African/African-American, 0.65%; no homozygotes.

Submissions (5):

Labcorp Genetics (formerly Invitae), Labcorp
Classification: Likely benign for Severe combined immunodeficiency due to DNA-PKcs deficiency. Last evaluated: 2026-01-21. Review status: criteria provided, single submitter. Criteria: Invitae Variant Classification Sherloc (09022015). Collection method: clinical testing. Allele origin: germline.

Women's Health and Genetics/Laboratory Corporation of America, LabCorp
Classification: Likely benign. Last evaluated: 2026-01-21. Review status: criteria provided, single submitter. Criteria: LabCorp Variant Classification Summary - May 2015. Collection method: clinical testing. Allele origin: germline.
Comment: Variant summary: PRKDC c.422C>G (p.Ser141Cys) results in a non-conservative amino acid change in the encoded protein sequence. Algorithms developed to predict the effect of missense changes on protein structure and function are either unavailable or do not agree on the potential impact of this missense change. The variant allele was found at a frequency of 0.0003 in 129850 control chromosomes, predominantly at a frequency of 0.0045 within the African or African-American subpopulation in the gnomAD database. The observed variant frequency within African or African-American control individuals in the gnomAD database exceeds the estimated maximal expected allele frequency for disease-causing variants in PRKDC. To our knowledge, no occurrence of c.422C>G in individuals affected with PRKDC-related conditions and no experimental evidence demonstrating its impact on protein function have been reported. ClinVar contains an entry for this variant (Variation ID: 542024). Based on the evidence outlined above, the variant was classified as likely benign.

Ambry Genetics
Classification: Likely benign. Last evaluated: 2025-09-27. Review status: criteria provided, single submitter. Criteria: Ambry Variant Classification Scheme 2023. Collection method: clinical testing. Allele origin: germline.

Baylor Genetics
Classification: Uncertain significance for Severe combined immunodeficiency due to DNA-PKcs deficiency. Last evaluated: 2018-03-08. Review status: criteria provided, single submitter. Criteria: ACMG Guidelines, 2015. Collection method: clinical testing. Allele origin: paternal. Affected: yes.
Comment: This variant was determined to be of uncertain significance according to ACMG Guidelines, 2015 [PMID:25741868].

PreventionGenetics, part of Exact Sciences
Classification: Likely benign for PRKDC-related condition. Last evaluated: 2024-01-31. Review status: no assertion criteria provided. Collection method: clinical testing. Allele origin: germline. Not counted in ClinVar's aggregate classification.
Comment: This variant is classified as likely benign based on ACMG/AMP sequence variant interpretation guidelines (Richards et al. 2015 PMID: 25741868, with internal and published modifications).

NM_006904.7(PRKDC):c.422C>G (p.Ser141Cys)

Gene: PRKDC (protein kinase, DNA-activated, catalytic subunit; minus strand). Cytogenetic location: 8q11.21.
Variant type: single nucleotide variant.
Coding change: c.422C>G on transcript NM_006904.7 (MANE Select); coding-DNA position 422, C replaced by G.
Protein change: p.Ser141Cys; replaces serine 141 with cysteine.
Molecular consequence: missense variant.
Genome position (GRCh38, 1-based): chr8:47,954,424, G>C on the plus strand (C>G on the coding strand, the complement: PRKDC is on the minus strand). VCF-style: chr8-47954424-G-C. GRCh37 (hg19) VCF-style: chr8-48866984-G-C.
Other names: c.422C>G, p.Ser141Cys (NM_001081640.2); short protein forms S141C.
Identifiers: ClinVar variation 542024 (VCV000542024.20), dbSNP rs201231274, ClinGen allele CA4742016.